The following is an entry in ClinVar:

NM_001291303.3(FAT4):c.5284C>G (p.Leu1762Val)

Gene: FAT4 (FAT atypical cadherin 4; plus strand). Cytogenetic location: 4q28.1.
Variant type: single nucleotide variant.
Coding change: c.5284C>G on transcript NM_001291303.3 (MANE Select); coding-DNA position 5284, C replaced by G.
Protein change: p.Leu1762Val; replaces leucine 1762 with valine.
Molecular consequence: missense variant.
Genome position (GRCh38, 1-based): chr4:125,398,892, C>G. VCF-style: chr4-125398892-C-G. GRCh37 (hg19) VCF-style: chr4-126320047-C-G.
Other names: c.5284C>G, p.Leu1762Val (NM_001291285.3, NM_024582.6); short protein forms L1762V.
Identifiers: ClinVar variation 1491175 (VCV001491175.7), dbSNP rs372610330, ClinGen allele CA3072655.

ClinVar aggregate classification (germline): Uncertain significance (1 of 4 stars; one submission).

Allele frequency attached by ClinVar (database versions not stated): TOPMed below 0.00001; gnomAD exomes 0.00001 and 0.00002; ExAC 0.00003; ESP Exome Variant Server 0.00008.
gnomAD v4.1: 10 of 1,613,204 alleles (0.00062%); highest among the groups gnomAD compares: Non-Finnish European, 0.00076%; no homozygotes.

Submissions (2):

Labcorp Genetics (formerly Invitae), Labcorp
Classification: Uncertain significance. Last evaluated: 2022-05-09. Review status: criteria provided, single submitter. Criteria: Invitae Variant Classification Sherloc (09022015). Collection method: clinical testing. Allele origin: germline.
Comment: This variant has not been reported in the literature in individuals affected with FAT4-related conditions. Advanced modeling of protein sequence and biophysical properties (such as structural, functional, and spatial information, amino acid conservation, physicochemical variation, residue mobility, and thermodynamic stability) performed at Invitae indicates that this missense variant is not expected to disrupt FAT4 protein function. Algorithms developed to predict the effect of sequence changes on RNA splicing suggest that this variant may create or strengthen a splice site. In summary, the available evidence is currently insufficient to determine the role of this variant in disease. Therefore, it has been classified as a Variant of Uncertain Significance. This variant is present in population databases (rs372610330, gnomAD 0.006%). This sequence change replaces leucine, which is neutral and non-polar, with valine, which is neutral and non-polar, at codon 1762 of the FAT4 protein (p.Leu1762Val).

Dr. Peter K. Rogan Lab, Western University
No classification provided (evidence only). Condition: Familial cancer of breast. Review status: no classification provided. Collection method: in vitro. Allele origin: not applicable. Functional consequence: retained intron. Not counted in ClinVar's aggregate classification.